The following is an entry in ClinVar:

NM_004525.3(LRP2):c.5701G>A (p.Ala1901Thr)

Gene: LRP2 (LDL receptor related protein 2; minus strand). Cytogenetic location: 2q31.1.
Variant type: single nucleotide variant.
Coding change: c.5701G>A on transcript NM_004525.3 (MANE Select); coding-DNA position 5701, G replaced by A.
Protein change: p.Ala1901Thr; replaces alanine 1901 with threonine.
Molecular consequence: missense variant.
Genome position (GRCh38, 1-based): chr2:169,216,378, C>T on the plus strand (G>A on the coding strand, the complement: LRP2 is on the minus strand). VCF-style: chr2-169216378-C-T. GRCh37 (hg19) VCF-style: chr2-170072888-C-T.
Other names: c.5701G>A (NM_004525.2); short protein forms A1901T.
Identifiers: ClinVar variation 1422446 (VCV001422446.9), dbSNP rs533012078, ClinGen allele CA1954458.

ClinVar aggregate classification (germline): Uncertain significance. Review status: criteria provided, multiple submitters, no conflicts (2 of 4 stars). 4 submissions from 4 submitters: Uncertain significance (4). Last evaluated 2022-08-16.

Conditions:
Inborn genetic diseases. Identifiers: MedGen C0950123, MeSH D030342.
Donnai-Barrow syndrome. Also called: FACIOOCULOACOUSTICORENAL SYNDROME; DBS/FOAR SYNDROME. Identifiers: Orphanet 2143, MedGen C1857277, MONDO:0009104, OMIM 222448.

Allele frequency attached by ClinVar (database versions not stated): ExAC 0.00001; gnomAD 0.00001; 1000 Genomes Project 30x 0.00016; 1000 Genomes Project 0.00020.
gnomAD v4.1: 11 of 1,613,610 alleles (0.00068%); highest among the groups gnomAD compares: East Asian, 0.016%; no homozygotes.

Submissions (4):

Labcorp Genetics (formerly Invitae), Labcorp
Classification: Uncertain significance. Last evaluated: 2022-08-16. Review status: criteria provided, single submitter. Criteria: Invitae Variant Classification Sherloc (09022015). Collection method: clinical testing. Allele origin: germline.
Comment: This sequence change replaces alanine, which is neutral and non-polar, with threonine, which is neutral and polar, at codon 1901 of the LRP2 protein (p.Ala1901Thr). This variant is present in population databases (rs533012078, gnomAD 0.03%). This variant has not been reported in the literature in individuals affected with LRP2-related conditions. ClinVar contains an entry for this variant (Variation ID: 1422446). Advanced modeling of protein sequence and biophysical properties (such as structural, functional, and spatial information, amino acid conservation, physicochemical variation, residue mobility, and thermodynamic stability) performed at Invitae indicates that this missense variant is expected to disrupt LRP2 protein function. In summary, the available evidence is currently insufficient to determine the role of this variant in disease. Therefore, it has been classified as a Variant of Uncertain Significance.

Fulgent Genetics
Classification: Uncertain significance for Donnai-Barrow syndrome. Last evaluated: 2021-10-30. Review status: criteria provided, single submitter. Criteria: ACMG Guidelines, 2015. Collection method: clinical testing. Allele origin: unknown.

Ambry Genetics
Classification: Uncertain significance for Inborn genetic diseases. Last evaluated: 2021-10-18. Review status: criteria provided, single submitter. Criteria: Ambry Variant Classification Scheme 2023. Collection method: clinical testing. Allele origin: germline.

Juno Genomics, Hangzhou Juno Genomics, Inc
Classification: Uncertain significance for Donnai-Barrow syndrome. Review status: criteria provided, single submitter. Criteria: ACMG Guidelines, 2015. Collection method: clinical testing. Allele origin: germline.
Comment: Missense variant in a gene that has a low rate of benign missense variation.;Multiple lines of computational evidence support a deleterious effect on the gene or gene product.;Absent from controls (or at extremely low frequency if recessive) in Genome Aggregation Database.